The following is an entry in ClinVar:

ClinVar aggregate classification (germline): Pathogenic (1 of 4 stars; one submission).

Submission:

GeneDx
Classification: Pathogenic. Last evaluated: 2024-11-21. Review status: criteria provided, single submitter. Criteria: GeneDx Variant Classification Process June 2021. Collection method: clinical testing. Allele origin: germline. Affected: yes.
Comment: Not observed at significant frequency in large population cohorts (gnomAD); In silico analysis supports that this missense variant has a deleterious effect on protein structure/function; This variant is associated with the following publications: (PMID: 33258288)

NM_001375380.1(EBF3):c.436A>G (p.Lys146Glu)

Gene: EBF3 (EBF transcription factor 3; minus strand). Cytogenetic location: 10q26.3.
Variant type: single nucleotide variant.
Coding change: c.436A>G on transcript NM_001375380.1 (MANE Select); coding-DNA position 436, A replaced by G.
Protein change: p.Lys146Glu; replaces lysine 146 with glutamic acid.
Molecular consequence: missense variant.
Genome position (GRCh38, 1-based): chr10:129,958,983, T>C on the plus strand (A>G on the coding strand, the complement: EBF3 is on the minus strand). VCF-style: chr10-129958983-T-C. GRCh37 (hg19) VCF-style: chr10-131757247-T-C.
Other names: c.436A>G, p.Lys146Glu (NM_001005463.3, NM_001375379.1, NM_001375389.1 and 3 more transcripts); short protein forms K146E.
Identifiers: ClinVar variation 3900244 (VCV003900244.1).